The following is an entry in ClinVar:

ClinVar aggregate classification (germline): Benign/Likely benign. Review status: criteria provided, multiple submitters, no conflicts (2 of 4 stars). 4 submissions from 4 submitters: Benign (2); Likely benign (2). Last evaluated 2024-11-26.

Allele frequency attached by ClinVar (database versions not stated): 1000 Genomes Project 0.00160; 1000 Genomes Project 30x 0.00187; TOPMed 0.00467; gnomAD exomes 0.00491 and 0.00750; ESP Exome Variant Server 0.00493; ExAC 0.00531.
gnomAD v4.1: 11,462 of 1,599,146 alleles (0.72%); highest among the groups gnomAD compares: Non-Finnish European, 0.86%; 50 homozygotes.

Submissions (37):

Blueprint Genetics
Classification: Likely benign. Last evaluated: 2024-11-26. Review status: criteria provided, single submitter. Criteria: ACMG Guidelines, 2015. Collection method: clinical testing. Allele origin: germline.

CeGaT Center for Human Genetics Tuebingen
Classification: Likely benign. Last evaluated: 2023-11-01. Review status: criteria provided, single submitter. Criteria: CeGaT Center For Human Genetics Tuebingen Variant Classification Criteria Version 2. Collection method: clinical testing. Allele origin: germline. Affected: yes. Observed: 2 variant alleles.
Comment: MVD: BP4, BP7, BS2

Labcorp Genetics (formerly Invitae), Labcorp
Classification: Benign. Last evaluated: 2017-10-05. Review status: criteria provided, single submitter. Criteria: Invitae Variant Classification Sherloc (09022015). Collection method: clinical testing. Allele origin: germline.

Breakthrough Genomics
Classification: Benign. Review status: criteria provided, single submitter. Criteria: ACMG Guidelines, 2015. Collection method: not provided. Allele origin: germline. Inheritance: Autosomal dominant inheritance. Affected: yes.

Dr. Peter K. Rogan Lab, Western University
No classification provided (evidence only). Condition: Malignant tumor of urinary bladder. Review status: no classification provided. Collection method: in vitro. Allele origin: not applicable. Functional consequence: retained intron. Not counted in ClinVar's aggregate classification.

Dr. Peter K. Rogan Lab, Western University
No classification provided (evidence only). Condition: Malignant tumor of urinary bladder. Review status: no classification provided. Collection method: in vitro. Allele origin: not applicable. Functional consequence: retained intron. Not counted in ClinVar's aggregate classification.

Dr. Peter K. Rogan Lab, Western University
No classification provided (evidence only). Condition: Clear cell carcinoma of kidney. Review status: no classification provided. Collection method: in vitro. Allele origin: not applicable. Functional consequence: retained intron. Not counted in ClinVar's aggregate classification.

Dr. Peter K. Rogan Lab, Western University
No classification provided (evidence only). Condition: Clear cell carcinoma of kidney. Review status: no classification provided. Collection method: in vitro. Allele origin: not applicable. Functional consequence: retained intron. Not counted in ClinVar's aggregate classification.

Dr. Peter K. Rogan Lab, Western University
No classification provided (evidence only). Condition: Lung cancer. Review status: no classification provided. Collection method: in vitro. Allele origin: not applicable. Functional consequence: retained intron. Not counted in ClinVar's aggregate classification.

Dr. Peter K. Rogan Lab, Western University
No classification provided (evidence only). Condition: Lung cancer. Review status: no classification provided. Collection method: in vitro. Allele origin: not applicable. Functional consequence: retained intron. Not counted in ClinVar's aggregate classification.

Dr. Peter K. Rogan Lab, Western University
No classification provided (evidence only). Condition: Lung cancer. Review status: no classification provided. Collection method: in vitro. Allele origin: not applicable. Functional consequence: retained intron. Not counted in ClinVar's aggregate classification.

Dr. Peter K. Rogan Lab, Western University
No classification provided (evidence only). Condition: Lung cancer. Review status: no classification provided. Collection method: in vitro. Allele origin: not applicable. Functional consequence: retained intron. Not counted in ClinVar's aggregate classification.

Dr. Peter K. Rogan Lab, Western University
No classification provided (evidence only). Condition: Melanoma. Review status: no classification provided. Collection method: in vitro. Allele origin: not applicable. Functional consequence: retained intron. Not counted in ClinVar's aggregate classification.

Dr. Peter K. Rogan Lab, Western University
No classification provided (evidence only). Condition: Melanoma. Review status: no classification provided. Collection method: in vitro. Allele origin: not applicable. Functional consequence: retained intron. Not counted in ClinVar's aggregate classification.

Dr. Peter K. Rogan Lab, Western University
No classification provided (evidence only). Condition: Melanoma. Review status: no classification provided. Collection method: in vitro. Allele origin: not applicable. Functional consequence: retained intron. Not counted in ClinVar's aggregate classification.

Dr. Peter K. Rogan Lab, Western University
No classification provided (evidence only). Condition: Melanoma. Review status: no classification provided. Collection method: in vitro. Allele origin: not applicable. Functional consequence: retained intron. Not counted in ClinVar's aggregate classification.

Dr. Peter K. Rogan Lab, Western University
No classification provided (evidence only). Condition: Familial cancer of breast. Review status: no classification provided. Collection method: in vitro. Allele origin: not applicable. Functional consequence: retained intron. Not counted in ClinVar's aggregate classification.

Dr. Peter K. Rogan Lab, Western University
No classification provided (evidence only). Condition: Familial cancer of breast. Review status: no classification provided. Collection method: in vitro. Allele origin: not applicable. Functional consequence: retained intron. Not counted in ClinVar's aggregate classification.

Dr. Peter K. Rogan Lab, Western University
No classification provided (evidence only). Condition: Familial cancer of breast. Review status: no classification provided. Collection method: in vitro. Allele origin: not applicable. Functional consequence: retained intron. Not counted in ClinVar's aggregate classification.

Dr. Peter K. Rogan Lab, Western University
No classification provided (evidence only). Condition: Acute myeloid leukemia. Review status: no classification provided. Collection method: in vitro. Allele origin: not applicable. Functional consequence: retained intron. Not counted in ClinVar's aggregate classification.

Dr. Peter K. Rogan Lab, Western University
No classification provided (evidence only). Condition: Colon adenocarcinoma. Review status: no classification provided. Collection method: in vitro. Allele origin: not applicable. Functional consequence: retained intron. Not counted in ClinVar's aggregate classification.

Dr. Peter K. Rogan Lab, Western University
No classification provided (evidence only). Condition: Thyroid cancer, nonmedullary, 1. Review status: no classification provided. Collection method: in vitro. Allele origin: not applicable. Functional consequence: retained intron. Not counted in ClinVar's aggregate classification.

Dr. Peter K. Rogan Lab, Western University
No classification provided (evidence only). Condition: Thyroid cancer, nonmedullary, 1. Review status: no classification provided. Collection method: in vitro. Allele origin: not applicable. Functional consequence: retained intron. Not counted in ClinVar's aggregate classification.

Dr. Peter K. Rogan Lab, Western University
No classification provided (evidence only). Condition: Thyroid cancer, nonmedullary, 1. Review status: no classification provided. Collection method: in vitro. Allele origin: not applicable. Functional consequence: retained intron. Not counted in ClinVar's aggregate classification.

Dr. Peter K. Rogan Lab, Western University
No classification provided (evidence only). Condition: Uterine corpus endometrial carcinoma. Review status: no classification provided. Collection method: in vitro. Allele origin: not applicable. Functional consequence: retained intron. Not counted in ClinVar's aggregate classification.

Dr. Peter K. Rogan Lab, Western University
No classification provided (evidence only). Condition: Cervical cancer. Review status: no classification provided. Collection method: in vitro. Allele origin: not applicable. Functional consequence: retained intron. Not counted in ClinVar's aggregate classification.

Dr. Peter K. Rogan Lab, Western University
No classification provided (evidence only). Condition: Cervical cancer. Review status: no classification provided. Collection method: in vitro. Allele origin: not applicable. Functional consequence: retained intron. Not counted in ClinVar's aggregate classification.

Dr. Peter K. Rogan Lab, Western University
No classification provided (evidence only). Condition: Hepatocellular carcinoma. Review status: no classification provided. Collection method: in vitro. Allele origin: not applicable. Functional consequence: retained intron. Not counted in ClinVar's aggregate classification.

Dr. Peter K. Rogan Lab, Western University
No classification provided (evidence only). Condition: Ovarian serous cystadenocarcinoma. Review status: no classification provided. Collection method: in vitro. Allele origin: not applicable. Functional consequence: retained intron. Not counted in ClinVar's aggregate classification.

Dr. Peter K. Rogan Lab, Western University
No classification provided (evidence only). Condition: Ovarian serous cystadenocarcinoma. Review status: no classification provided. Collection method: in vitro. Allele origin: not applicable. Functional consequence: retained intron. Not counted in ClinVar's aggregate classification.

Dr. Peter K. Rogan Lab, Western University
No classification provided (evidence only). Condition: Adrenocortical carcinoma, hereditary. Review status: no classification provided. Collection method: in vitro. Allele origin: not applicable. Functional consequence: retained intron. Not counted in ClinVar's aggregate classification.

Dr. Peter K. Rogan Lab, Western University
No classification provided (evidence only). Condition: Adrenocortical carcinoma, hereditary. Review status: no classification provided. Collection method: in vitro. Allele origin: not applicable. Functional consequence: retained intron. Not counted in ClinVar's aggregate classification.

Dr. Peter K. Rogan Lab, Western University
No classification provided (evidence only). Condition: Adrenocortical carcinoma, hereditary. Review status: no classification provided. Collection method: in vitro. Allele origin: not applicable. Functional consequence: retained intron. Not counted in ClinVar's aggregate classification.

Dr. Peter K. Rogan Lab, Western University
No classification provided (evidence only). Condition: Uveal melanoma. Review status: no classification provided. Collection method: in vitro. Allele origin: not applicable. Functional consequence: retained intron. Not counted in ClinVar's aggregate classification.

Dr. Peter K. Rogan Lab, Western University
No classification provided (evidence only). Condition: Malignant tumor of esophagus. Review status: no classification provided. Collection method: in vitro. Allele origin: not applicable. Functional consequence: retained intron. Not counted in ClinVar's aggregate classification.

Dr. Peter K. Rogan Lab, Western University
No classification provided (evidence only). Condition: Malignant tumor of esophagus. Review status: no classification provided. Collection method: in vitro. Allele origin: not applicable. Functional consequence: retained intron. Not counted in ClinVar's aggregate classification.

Dr. Peter K. Rogan Lab, Western University
No classification provided (evidence only). Condition: Malignant tumor of esophagus. Review status: no classification provided. Collection method: in vitro. Allele origin: not applicable. Functional consequence: retained intron. Not counted in ClinVar's aggregate classification.

NM_002461.3(MVD):c.1104A>G (p.Lys368=)

Gene: MVD (mevalonate diphosphate decarboxylase; minus strand). Cytogenetic location: 16q24.2.
Variant type: single nucleotide variant.
Coding change: c.1104A>G on transcript NM_002461.3 (MANE Select); coding-DNA position 1104, A replaced by G.
Protein change: p.Lys368=; no amino-acid change (lysine 368 retained).
Molecular consequence: synonymous variant.
Genome position (GRCh38, 1-based): chr16:88,653,318, T>C on the plus strand (A>G on the coding strand, the complement: MVD is on the minus strand). VCF-style: chr16-88653318-T-C. GRCh37 (hg19) VCF-style: chr16-88719726-T-C.
Other names: NC_000016.9:g.88719726T>C.
Identifiers: ClinVar variation 790328 (VCV000790328.30), dbSNP rs148833471, ClinGen allele CA8228609.